The following is an entry in ClinVar:

ClinVar aggregate classification (germline): Uncertain significance (1 of 4 stars; one submission).

gnomAD v4.1: 3 of 1,604,790 alleles (0.00019%); highest among the groups gnomAD compares: East Asian, 0.0022%; no homozygotes.

Submissions (2):

Labcorp Genetics (formerly Invitae), Labcorp
Classification: Uncertain significance. Last evaluated: 2024-12-02. Review status: criteria provided, single submitter. Criteria: Invitae Variant Classification Sherloc (09022015). Collection method: clinical testing. Allele origin: germline.
Comment: This sequence change affects codon 301 of the IGF1R mRNA. It is a 'silent' change, meaning that it does not change the encoded amino acid sequence of the IGF1R protein. This variant is present in population databases (rs2229764, gnomAD 0.006%). This variant has not been reported in the literature in individuals affected with IGF1R-related conditions. Algorithms developed to predict the effect of sequence changes on RNA splicing suggest that this variant may disrupt the consensus splice site. In summary, the available evidence is currently insufficient to determine the role of this variant in disease. Therefore, it has been classified as a Variant of Uncertain Significance.

Dr. Peter K. Rogan Lab, Western University
No classification provided (evidence only). Condition: Thyroid cancer, nonmedullary, 1. Review status: no classification provided. Collection method: in vitro. Allele origin: not applicable. Functional consequence: retained intron. Not counted in ClinVar's aggregate classification.

NM_000875.5(IGF1R):c.903C>T (p.Gly301=)

Gene: IGF1R (insulin like growth factor 1 receptor; plus strand). Cytogenetic location: 15q26.3.
Variant type: single nucleotide variant.
Coding change: c.903C>T on transcript NM_000875.5 (MANE Select); coding-DNA position 903, C replaced by T.
Protein change: p.Gly301=; no amino-acid change (glycine 301 retained).
Molecular consequence: synonymous variant.
Genome position (GRCh38, 1-based): chr15:98,891,587, C>T. VCF-style: chr15-98891587-C-T. GRCh37 (hg19) VCF-style: chr15-99434816-C-T.
Other names: c.903C>T, p.Gly301= (NM_001291858.2).
Identifiers: ClinVar variation 3652227 (VCV003652227.3).
Genomic context (GRCh38, chr15:98,891,587, plus strand): 5'-CTGCGCCAACATCCTCAGCGCCGAGAGCAGCGACTCCGAGGGGTTTGTGATCCACGACGG[C>T]GAGTGCATGCAGGAGTGCCCCTCGGGCTTCATCCGCAACGGCAGCCAGAGGTCAGTCGCG-3'
Protein context (NP_000866.1, residues 291-311): SDSEGFVIHD[Gly301=]ECMQECPSGF